The following is an entry in ClinVar:

NM_018490.5(LGR4):c.2292G>A (p.Ala764=)

Gene: LGR4 (leucine rich repeat containing G protein-coupled receptor 4; minus strand). Cytogenetic location: 11p14.1.
Variant type: single nucleotide variant.
Coding change: c.2292G>A on transcript NM_018490.5 (MANE Select); coding-DNA position 2292, G replaced by A.
Protein change: p.Ala764=; no amino-acid change (alanine 764 retained).
Molecular consequence: synonymous variant.
Genome position (GRCh38, 1-based): chr11:27,368,431, C>T on the plus strand (G>A on the coding strand, the complement: LGR4 is on the minus strand). VCF-style: chr11-27368431-C-T. GRCh37 (hg19) VCF-style: chr11-27389978-C-T.
Other names: c.2220G>A, p.Ala740= (NM_001346432.2).
Identifiers: ClinVar variation 3047121 (VCV003047121.2), dbSNP rs138381781, ClinGen allele CA5928195.

ClinVar aggregate classification (germline): Likely benign (0 of 4 stars; one submission).

Conditions:
LGR4-related disorder. Also called: LGR4-related condition.

Allele frequency attached by ClinVar (database versions not stated): ExAC 0.00009; gnomAD 0.00022; ESP Exome Variant Server 0.00023; TOPMed 0.00036.
gnomAD v4.1: 229 of 1,613,992 alleles (0.014%); highest among the groups gnomAD compares: Admixed American, 0.042%; no homozygotes.

Submission:

PreventionGenetics, part of Exact Sciences
Classification: Likely benign for LGR4-related condition. Last evaluated: 2019-02-25. Review status: no assertion criteria provided. Collection method: clinical testing. Allele origin: germline.
Comment: This variant is classified as likely benign based on ACMG/AMP sequence variant interpretation guidelines (Richards et al. 2015 PMID: 25741868, with internal and published modifications).